The following is an entry in ClinVar:

NM_201384.3(PLEC):c.5012G>A (p.Arg1671His)

Gene: PLEC (plectin; minus strand). Cytogenetic location: 8q24.3.
Variant type: single nucleotide variant.
Coding change: c.5012G>A on transcript NM_201384.3 (MANE Select); coding-DNA position 5012, G replaced by A.
Protein change: p.Arg1671His; replaces arginine 1671 with histidine.
Molecular consequence: missense variant.
Genome position (GRCh38, 1-based): chr8:143,924,917, C>T on the plus strand (G>A on the coding strand, the complement: PLEC is on the minus strand). VCF-style: chr8-143924917-C-T. GRCh37 (hg19) VCF-style: chr8-144999085-C-T.
Other names: c.5093G>A, p.Arg1698His (NM_000445.5); c.4970G>A, p.Arg1657His (NM_201378.4); c.4946G>A, p.Arg1649His (NM_201379.3); c.5423G>A, p.Arg1808His (NM_201380.4); c.4916G>A, p.Arg1639His (NM_201381.3); c.5012G>A, p.Arg1671His (NM_201382.4); c.5024G>A, p.Arg1675His (NM_201383.3); short protein forms R1639H, R1649H, R1657H, R1671H, R1675H, R1698H, R1808H.
Identifiers: ClinVar variation 423686 (VCV000423686.8), dbSNP rs782081177, ClinGen allele CA4926464.

ClinVar aggregate classification (germline): Uncertain significance. Review status: criteria provided, multiple submitters, no conflicts (2 of 4 stars). 3 submissions from 3 submitters: Uncertain significance (3). Last evaluated 2024-12-17.

Conditions:
Epidermolysis bullosa simplex with nail dystrophy (EBS5D). Identifiers: MedGen C4225309, MONDO:0014661, OMIM 616487.
Autosomal recessive limb-girdle muscular dystrophy type 2Q (LGMDR17). Also called: MUSCULAR DYSTROPHY, LIMB-GIRDLE, AUTOSOMAL RECESSIVE 17. Identifiers: Orphanet 254361, MedGen C3150989, MONDO:0013390, OMIM 613723.
Epidermolysis bullosa simplex 5B, with muscular dystrophy (EBS5B). Also called: Epidermolysis bullosa simplex with muscular dystrophy; EPIDERMOLYSIS BULLOSA SIMPLEX AND LIMB-GIRDLE MUSCULAR DYSTROPHY. Identifiers: Orphanet 257, MedGen C2931072, MONDO:0009181, OMIM 226670.
Epidermolysis bullosa simplex, Ogna type (EBS5A). Also called: Pidermolysis bullosa simplex 5A, Ogna type; EPIDERMOLYSIS BULLOSA SIMPLEX 5A, OGNA TYPE. Identifiers: Orphanet 79401, MedGen C0432317, MONDO:0007555, OMIM 131950.
Epidermolysis bullosa simplex 5C, with pyloric atresia (EBS5C). Also called: Epidermolysis bullosa simplex with pyloric atresia; PLEC1-Related Epidermolysis Bullosa with Pyloric Atresia; PLEC-Related Epidermolysis Bullosa with Pyloric Atresia. Identifiers: Orphanet 158684, MedGen C2677349, MONDO:0012807, OMIM 612138.

Allele frequency attached by ClinVar (database versions not stated): gnomAD 0.00001; gnomAD exomes 0.00001; ExAC 0.00002; TOPMed 0.00002.
gnomAD v4.1: 16 of 1,584,954 alleles (0.001%); highest among the groups gnomAD compares: East Asian, 0.0023%; no homozygotes.

Submissions (3):

Labcorp Genetics (formerly Invitae), Labcorp
Classification: Uncertain significance for Autosomal recessive limb-girdle muscular dystrophy type 2Q; Epidermolysis bullosa simplex, Ogna type; Epidermolysis bullosa simplex with nail dystrophy; Epidermolysis bullosa simplex 5C, with pyloric atresia; Epidermolysis bullosa simplex 5B, with muscular dystrophy. Last evaluated: 2024-12-17. Review status: criteria provided, single submitter. Criteria: Invitae Variant Classification Sherloc (09022015). Collection method: clinical testing. Allele origin: germline.
Comment: This sequence change replaces arginine, which is basic and polar, with histidine, which is basic and polar, at codon 1698 of the PLEC protein (p.Arg1698His). The frequency data for this variant in the population databases is considered unreliable, as metrics indicate poor data quality at this position in the gnomAD database. This variant has not been reported in the literature in individuals affected with PLEC-related conditions. ClinVar contains an entry for this variant (Variation ID: 423686). Experimental studies and prediction algorithms are not available or were not evaluated, and the functional significance of this variant is currently unknown. In summary, the available evidence is currently insufficient to determine the role of this variant in disease. Therefore, it has been classified as a Variant of Uncertain Significance.

Revvity Omics, Revvity
Classification: Uncertain significance. Last evaluated: 2024-06-07. Review status: criteria provided, single submitter. Criteria: ACMG Guidelines, 2015. Collection method: clinical testing. Allele origin: germline.

GeneDx
Classification: Uncertain significance. Last evaluated: 2017-02-22. Review status: criteria provided, single submitter. Criteria: GeneDx Variant Classification (06012015). Collection method: clinical testing. Allele origin: germline. Affected: yes.
Comment: The R1698H variant has not been published as a pathogenic variant, nor has it been reported as a benign variant to our knowledge. The R1698H variant is not observed at a significant frequency in large population cohorts (Lek et al., 2016; 1000 Genomes Consortium et al., 2015; Exome Variant Server). This variant is a conservative amino acid substitution, which is not likely to impact secondary protein structure as these residues share similar properties. However, this substitution occurs at a position that is conserved across species, and in silico analysis is inconsistent in its predictions as to whether or not the variant is damaging to the protein structure/function.